The following is an entry in ClinVar:

NM_003680.3(YARS1):c.-738C>G

Genes: S100PBP (S100P binding protein; plus strand), YARS1 (tyrosyl-tRNA synthetase 1; minus strand), LOC132088696 (Neanderthal introgressed variant-containing enhancer experimental_6822; plus strand). Cytogenetic location: 1p35.1.
Variant type: single nucleotide variant.
Coding change: c.-738C>G on transcript NM_003680.3; 738 bases upstream of the start codon, C replaced by G.
Molecular consequence: intron variant (on NM_022753.4).
Genome position (GRCh38, 1-based): chr1:32,817,982, G>C on the plus strand (C>G on the coding strand, the complement: YARS1 is on the minus strand). VCF-style: chr1-32817982-G-C. GRCh37 (hg19) VCF-style: chr1-33283583-G-C.
Other names: c.-120+383G>C (NM_001256121.2); c.-120+293G>C (NM_022753.4).
Identifiers: ClinVar variation 297176 (VCV000297176.9), dbSNP rs3737251, ClinGen allele CA10610954.
Genomic context (GRCh38, chr1:32,817,982, plus strand): 5'-AAAGGGAAGCTCCCTGGTCGTCTTGAGAGTCGGGGAGCGCCGTCTGCAGTCCCCTGCCCA[G>C]TGGGGGTGGGGGCCGCCTCTGTCCCGGCCGGCTCGGCGGGAGGCTGTTGCTGGCGGGAAG-3'

ClinVar aggregate classification (germline): Benign. Review status: criteria provided, multiple submitters, no conflicts (2 of 4 stars). 3 submissions from 3 submitters: Benign (3). Last evaluated 2018-06-19.

Conditions:
Charcot-Marie-Tooth disease dominant intermediate C (CMTDIC). Also called: CHARCOT-MARIE-TOOTH NEUROPATHY, DOMINANT INTERMEDIATE C. Identifiers: Orphanet 100045, MedGen C1842237, MONDO:0012012, OMIM 608323.

Allele frequency attached by ClinVar (database versions not stated): 1000 Genomes Project 0.14137; TOPMed 0.12620; gnomAD 0.13215 and 0.13723; gnomAD exomes 0.12150; 1000 Genomes Project 30x 0.13445.
gnomAD v4.1: 20,925 of 152,526 alleles (14%); highest among the groups gnomAD compares: South Asian, 23%; 1,786 homozygotes.

Submissions (3):

GeneDx
Classification: Benign. Last evaluated: 2018-06-19. Review status: criteria provided, single submitter. Criteria: GeneDx Variant Classification (06012015). Collection method: clinical testing. Allele origin: germline. Affected: yes.
Comment: This variant is considered likely benign or benign based on one or more of the following criteria: it is a conservative change, it occurs at a poorly conserved position in the protein, it is predicted to be benign by multiple in silico algorithms, and/or has population frequency not consistent with disease.

Illumina Laboratory Services, Illumina
Classification: Benign for Charcot-Marie-Tooth disease dominant intermediate C. Last evaluated: 2018-01-13. Review status: criteria provided, single submitter. Criteria: ICSL Variant Classification Criteria 13 December 2019. Collection method: clinical testing. Allele origin: germline.
Comment: This variant was observed in the ICSL laboratory as part of a predisposition screen in an ostensibly healthy population. It had not been previously curated by ICSL or reported in the Human Gene Mutation Database (HGMD: prior to June 1st, 2018), and was therefore a candidate for classification through an automated scoring system. Utilizing variant allele frequency, disease prevalence and penetrance estimates, and inheritance mode, an automated score was calculated to assess if this variant is too frequent to cause the disease. Based on the score and internal cut-off values, a variant classified as benign is not then subjected to further curation. The score for this variant resulted in a classification of benign for this disease.

Breakthrough Genomics
Classification: Benign. Review status: criteria provided, single submitter. Criteria: ACMG Guidelines, 2015. Collection method: not provided. Allele origin: germline. Inheritance: Unknown mechanism. Affected: yes.